The following is an entry in ClinVar:

NM_000179.3(MSH6):c.657del (p.Ser219fs)

Gene: MSH6 (mutS homolog 6; plus strand). Cytogenetic location: 2p16.3.
Variant type: Deletion.
Coding change: c.657del on transcript NM_000179.3 (MANE Select); coding-DNA position 657, one base deleted (T; older notation c.657delT).
Protein change: p.Ser219fs; shifts the reading frame from serine 219.
Molecular consequence: frameshift variant. On other transcripts: 5 prime UTR variant (2).
Genome position (GRCh38, 1-based): chr2:47,798,640, T deleted. VCF-style (leftmost placement, unchanged base first): chr2-47798639-GT-G. GRCh37 (hg19) VCF-style: chr2-48025778-GT-G.
Other names: c.663delT, p.Ser221Argfs (NM_001406813.1); c.-250delT (NM_001406814.1, NM_001406815.1, NM_001406816.1 and 4 more transcripts); c.657delT, p.Ser219Argfs (NM_001406817.1, NM_001406796.1, NM_001406798.1 and 4 more transcripts); c.360delT, p.Ser120Argfs (NM_001406818.1, NM_001406819.1, NM_001406820.1 and 10 more transcripts); c.489delT, p.Ser163Argfs (NM_001406826.1); c.267del, p.Ser89fs (NM_001281492.2); c.-250del (NM_001281493.2, NM_001281494.2); c.753delT, p.Ser251Argfs (NM_001406795.1, NM_001406802.1); and 2 more; short protein forms S219fs, S89fs.
Identifiers: ClinVar variation 1754294 (VCV001754294.2), dbSNP rs2530564110, ClinGen allele CA2580067201.

ClinVar aggregate classification (germline): Pathogenic (1 of 4 stars; one submission).

Conditions:
Hereditary cancer-predisposing syndrome. Also called: Neoplastic Syndromes, Hereditary; Tumor predisposition; Hereditary Cancer Syndrome; Hereditary neoplastic syndrome. Identifiers: Orphanet 140162, MedGen C0027672, MeSH D009386, MONDO:0015356.

Submission:

Ambry Genetics
Classification: Pathogenic for Hereditary cancer-predisposing syndrome. Last evaluated: 2022-04-07. Review status: criteria provided, single submitter. Criteria: Ambry Variant Classification Scheme 2023. Collection method: clinical testing. Allele origin: germline.
Comment: The c.657delT pathogenic mutation, located in coding exon 4 of the MSH6 gene, results from a deletion of one nucleotide at nucleotide position 657, causing a translational frameshift with a predicted alternate stop codon (p.S219Rfs*27). This alteration is expected to result in loss of function by premature protein truncation or nonsense-mediated mRNA decay. As such, this alteration is interpreted as a disease-causing mutation.